The following is an entry in ClinVar:

NM_001080467.3(MYO5B):c.4392G>T (p.Lys1464Asn)

Genes: MYO5B (myosin VB; minus strand), SNHG22 (small nucleolar RNA host gene 22; plus strand). Cytogenetic location: 18q21.1.
Variant type: single nucleotide variant.
Coding change: c.4392G>T on transcript NM_001080467.3 (MANE Select); coding-DNA position 4392, G replaced by T.
Protein change: p.Lys1464Asn; replaces lysine 1464 with asparagine.
Molecular consequence: missense variant.
Genome position (GRCh38, 1-based): chr18:49,847,213, C>A on the plus strand (G>T on the coding strand, the complement: MYO5B is on the minus strand). VCF-style: chr18-49847213-C-A. GRCh37 (hg19) VCF-style: chr18-47373583-C-A.
Other names: short protein forms K1464N.
Identifiers: ClinVar variation 4999959 (VCV004999959.1).

ClinVar aggregate classification (germline): Uncertain significance (1 of 4 stars; one submission).

Conditions:
MYO5B-related disorder. Also called: MYO5B-related condition.

Submission:

PreventionGenetics, part of Exact Sciences
Classification: Uncertain significance for MYO5B-related condition. Last evaluated: 2024-11-09. Review status: criteria provided, single submitter. Criteria: ACMG Guidelines, 2015. Collection method: clinical testing. Allele origin: germline.
Comment: The MYO5B c.4392G>T variant is predicted to result in the amino acid substitution p.Lys1464Asn. To our knowledge, this variant has not been reported in the literature or in a large population database (gnomAD), indicating this variant is rare. At this time, the clinical significance of this variant is uncertain due to the absence of conclusive functional and genetic evidence.